The following is an entry in ClinVar:

NM_207037.2(TCF12):c.1189-2A>G

Gene: TCF12 (transcription factor 12; plus strand). Cytogenetic location: 15q21.3.
Variant type: single nucleotide variant.
Coding change: c.1189-2A>G on transcript NM_207037.2 (MANE Select); the canonical splice acceptor site of the intron before coding-DNA position 1189, A replaced by G.
Molecular consequence: splice acceptor variant. On other transcripts: intron variant (8).
Genome position (GRCh38, 1-based): chr15:57,252,419, A>G. VCF-style: chr15-57252419-A-G. GRCh37 (hg19) VCF-style: chr15-57544617-A-G.
Other names: c.1189-2A>G (NM_001322151.2, NM_001322159.3, NM_001322152.2 and 3 more transcripts); c.1189-843A>G (NM_001322157.3, NM_003205.4, NM_207038.2 and 1 more transcripts); c.1015-2A>G (NM_001322156.2); c.1015-843A>G (NM_001322158.2); c.532-2A>G (NM_001322154.2); c.1225-843A>G (NM_001322164.2); c.679-2A>G (NM_001306219.3); c.679-843A>G (NM_207040.2); and 1 more.
Identifiers: ClinVar variation 1708897 (VCV001708897.2), dbSNP rs2060160575, ClinGen allele CA392596833.

ClinVar aggregate classification (germline): Likely pathogenic (1 of 4 stars; one submission).

Submission:

GeneDx
Classification: Likely pathogenic. Last evaluated: 2022-04-07. Review status: criteria provided, single submitter. Criteria: GeneDx Variant Classification Process June 2021. Collection method: clinical testing. Allele origin: germline. Affected: yes.
Comment: Identified in a patient with developmental delay and inherited from a mother without a neurodevelopmental disorder (Wang et al., 2020); Not observed at significant frequency in large population cohorts (gnomAD); Canonical splice site variant expected to result in aberrant splicing, although in the absence of functional evidence the actual effect of this sequence change is unknown.; This variant is associated with the following publications: (PMID: 33004838)